The following is an entry in ClinVar:

ClinVar aggregate classification (germline): Uncertain significance (1 of 4 stars; one submission).

Allele frequency attached by ClinVar (database versions not stated): gnomAD 0.00001.

Submission:

Labcorp Genetics (formerly Invitae), Labcorp
Classification: Uncertain significance. Last evaluated: 2024-10-29. Review status: criteria provided, single submitter. Criteria: Invitae Variant Classification Sherloc (09022015). Collection method: clinical testing. Allele origin: germline.
Comment: This sequence change replaces histidine, which is basic and polar, with arginine, which is basic and polar, at codon 132 of the DNAH9 protein (p.His132Arg). This variant is present in population databases (no rsID available, gnomAD 0.01%). This variant has not been reported in the literature in individuals affected with DNAH9-related conditions. ClinVar contains an entry for this variant (Variation ID: 2108518). An algorithm developed to predict the effect of missense changes on protein structure and function (PolyPhen-2) suggests that this variant is likely to be tolerated. In summary, the available evidence is currently insufficient to determine the role of this variant in disease. Therefore, it has been classified as a Variant of Uncertain Significance.

NM_001372.4(DNAH9):c.395A>G (p.His132Arg)

Gene: DNAH9 (dynein axonemal heavy chain 9; plus strand). Cytogenetic location: 17p12.
Variant type: single nucleotide variant.
Coding change: c.395A>G on transcript NM_001372.4 (MANE Select); coding-DNA position 395, A replaced by G.
Protein change: p.His132Arg; replaces histidine 132 with arginine.
Molecular consequence: missense variant.
Genome position (GRCh38, 1-based): chr17:11,598,893, A>G. VCF-style: chr17-11598893-A-G. GRCh37 (hg19) VCF-style: chr17-11502210-A-G.
Other names: short protein forms H132R.
Identifiers: ClinVar variation 2108518 (VCV002108518.4), dbSNP rs1228122850, ClinGen allele CA398154996.